The following is an entry in ClinVar:

NM_000175.5(GPI):c.1668A>C (p.Arg556Ser)

Gene: GPI (glucose-6-phosphate isomerase; plus strand). Cytogenetic location: 19q13.11.
Variant type: single nucleotide variant.
Coding change: c.1668A>C on transcript NM_000175.5 (MANE Select); coding-DNA position 1668, A replaced by C.
Protein change: p.Arg556Ser; replaces arginine 556 with serine.
Molecular consequence: missense variant.
Genome position (GRCh38, 1-based): chr19:34,400,027, A>C. VCF-style: chr19-34400027-A-C. GRCh37 (hg19) VCF-style: chr19-34890932-A-C.
Other names: c.1701A>C, p.Arg567Ser (NM_001184722.1); c.1785A>C, p.Arg595Ser (NM_001289789.1); c.1584A>C, p.Arg528Ser (NM_001289790.3); c.1668A>C, p.Arg556Ser (NM_001329909.1, NM_001329910.1); c.1641A>C, p.Arg547Ser (NM_001329911.2); short protein forms R595S, R528S, R547S, R556S, R567S.
Identifiers: ClinVar variation 2258621 (VCV002258621.13), dbSNP rs2075000298, ClinGen allele CA405246840.

ClinVar aggregate classification (germline): Uncertain significance. Review status: criteria provided, multiple submitters, no conflicts (2 of 4 stars). 2 submissions from 2 submitters: Uncertain significance (2). Last evaluated 2025-05-01.

Conditions:
Inborn genetic diseases. Identifiers: MedGen C0950123, MeSH D030342.

Allele frequency attached by ClinVar (database versions not stated): gnomAD exomes below 0.00001; gnomAD 0.00001.
gnomAD v4.1: 2 of 1,611,948 alleles (0.00012%); highest among the groups gnomAD compares: Non-Finnish European, 0.00017%; no homozygotes.

Submissions (2):

CeGaT Center for Human Genetics Tuebingen
Classification: Uncertain significance. Last evaluated: 2025-05-01. Review status: criteria provided, single submitter. Criteria: CeGaT Center For Human Genetics Tuebingen Variant Classification Criteria Version 2. Collection method: clinical testing. Allele origin: germline. Affected: yes. Observed: 1 variant allele.
Comment: GPI: PM2

Ambry Genetics
Classification: Uncertain significance for Inborn genetic diseases. Last evaluated: 2024-10-29. Review status: criteria provided, single submitter. Criteria: Ambry Variant Classification Scheme 2023. Collection method: clinical testing. Allele origin: germline.